The following is an entry in ClinVar:

ClinVar aggregate classification (germline): Uncertain significance (1 of 4 stars; one submission).

Conditions:
RYR1-related disorder. Also called: RYR1-related condition; RYR1-related disorders. Identifiers: MedGen CN239331.

Submission:

Labcorp Genetics (formerly Invitae), Labcorp
Classification: Uncertain significance for RYR1-related disorder. Last evaluated: 2022-07-05. Review status: criteria provided, single submitter. Criteria: Invitae Variant Classification Sherloc (09022015). Collection method: clinical testing. Allele origin: germline.
Comment: In summary, the available evidence is currently insufficient to determine the role of this variant in disease. Therefore, it has been classified as a Variant of Uncertain Significance. Advanced modeling of protein sequence and biophysical properties (such as structural, functional, and spatial information, amino acid conservation, physicochemical variation, residue mobility, and thermodynamic stability) performed at Invitae indicates that this missense variant is not expected to disrupt RYR1 protein function. ClinVar contains an entry for this variant (Variation ID: 1004160). This variant has not been reported in the literature in individuals affected with RYR1-related conditions. This variant is not present in population databases (gnomAD no frequency). This sequence change replaces threonine, which is neutral and polar, with arginine, which is basic and polar, at codon 1899 of the RYR1 protein (p.Thr1899Arg).

NM_000540.3(RYR1):c.5696C>G (p.Thr1899Arg)

Gene: RYR1 (ryanodine receptor 1; plus strand). Cytogenetic location: 19q13.2.
Variant type: single nucleotide variant.
Coding change: c.5696C>G on transcript NM_000540.3 (MANE Select); coding-DNA position 5696, C replaced by G.
Protein change: p.Thr1899Arg; replaces threonine 1899 with arginine.
Molecular consequence: missense variant.
Genome position (GRCh38, 1-based): chr19:38,489,325, C>G. VCF-style: chr19-38489325-C-G. GRCh37 (hg19) VCF-style: chr19-38979965-C-G.
Other names: c.5696C>G, p.Thr1899Arg (NM_001042723.2); short protein forms T1899R.
Identifiers: ClinVar variation 1004160 (VCV001004160.8), dbSNP rs1969447091, ClinGen allele CA405658807.